The following is an entry in ClinVar:

NM_144643.4(SCLT1):c.1511A>G (p.Glu504Gly)

Gene: SCLT1 (sodium channel and clathrin linker 1; minus strand). Cytogenetic location: 4q28.2.
Variant type: single nucleotide variant.
Coding change: c.1511A>G on transcript NM_144643.4 (MANE Select); coding-DNA position 1511, A replaced by G.
Protein change: p.Glu504Gly; replaces glutamic acid 504 with glycine.
Molecular consequence: missense variant. On other transcripts: intron variant (1).
Genome position (GRCh38, 1-based): chr4:128,943,117, T>C on the plus strand (A>G on the coding strand, the complement: SCLT1 is on the minus strand). VCF-style: chr4-128943117-T-C. GRCh37 (hg19) VCF-style: chr4-129864272-T-C.
Other names: c.1439+2890A>G (NM_001410807.1); short protein forms E504G.
Identifiers: ClinVar variation 4979936 (VCV004979936.1).
Genomic context (GRCh38, chr4:128,943,117, plus strand): 5'-CGTAACTGTTTATTTTCTTGCTGAAGTTTTAGCCTTTGTTCACTGACAAGCCCACAGTTC[T>C]CTCTCTCAGACTCCAATACATTTTGAAGTTTCTGAATCATTTCTTGGTAACGTGATATTT-3'
Protein context (NP_653244.2, residues 494-514): KLQNVLESER[Glu504Gly]NCGLVSEQRL

ClinVar aggregate classification (germline): Uncertain significance (1 of 4 stars; one submission).

Conditions:
SCLT1-related disorder. Also called: SCLT1-related condition.

gnomAD v4.1: 3 of 1,612,730 alleles (0.00019%); highest among the groups gnomAD compares: Admixed American, 0.005%; no homozygotes.

Submission:

PreventionGenetics, part of Exact Sciences
Classification: Uncertain significance for SCLT1-related condition. Last evaluated: 2026-06-05. Review status: criteria provided, single submitter. Criteria: ACMG Guidelines, 2015. Collection method: clinical testing. Allele origin: germline.
Comment: The SCLT1 c.1511A>G variant is predicted to result in the amino acid substitution p.Glu504Gly. To our knowledge, this variant has not been reported in the literature. This variant is reported in 0.0087% of alleles in individuals of Latino descent in gnomAD. At this time, the clinical significance of this variant is uncertain due to the absence of conclusive functional and genetic evidence.